The following is an entry in ClinVar:

ClinVar aggregate classification (germline): Uncertain significance (1 of 4 stars; one submission).

Submission:

Ambry Genetics
Classification: Uncertain significance. Last evaluated: 2025-06-20. Review status: criteria provided, single submitter. Criteria: Ambry Variant Classification Scheme 2023. Collection method: clinical testing. Allele origin: germline.
Comment: The p.S194T variant (also known as c.580T>A), located in coding exon 6 of the RAD51B gene, results from a T to A substitution at nucleotide position 580. The serine at codon 194 is replaced by threonine, an amino acid with similar properties. This amino acid position is conserved. In addition, this alteration is predicted to be tolerated by in silico analysis. Based on the available evidence, the clinical significance of this variant remains unclear.

NM_133510.4(RAD51B):c.580T>A (p.Ser194Thr)

Gene: RAD51B (RAD51 paralog B; plus strand). Cytogenetic location: 14q24.1.
Variant type: single nucleotide variant.
Coding change: c.580T>A on transcript NM_133510.4 (MANE Select); coding-DNA position 580, T replaced by A.
Protein change: p.Ser194Thr; replaces serine 194 with threonine.
Molecular consequence: missense variant.
Genome position (GRCh38, 1-based): chr14:67,887,028, T>A. VCF-style: chr14-67887028-T-A. GRCh37 (hg19) VCF-style: chr14-68353745-T-A.
Other names: c.580T>A, p.Ser194Thr (NM_002877.6, NM_133509.5, NM_001321809.2 and 6 more transcripts); c.466T>A, p.Ser156Thr (NM_001321815.1); c.223T>A, p.Ser75Thr (NM_001321817.2); short protein forms S156T, S75T, S194T.
Identifiers: ClinVar variation 4149804 (VCV004149804.1).